The following is an entry in ClinVar:

ClinVar aggregate classification (germline): Uncertain significance (1 of 4 stars; one submission).

Allele frequency attached by ClinVar (database versions not stated): ExAC 0.00001; 1000 Genomes Project 0.00020; 1000 Genomes Project 30x 0.00031.
gnomAD v4.1: 1 of 1,614,032 alleles (0.000062%); highest among the groups gnomAD compares: Admixed American, 0.0017%; no homozygotes.

Submission:

Labcorp Genetics (formerly Invitae), Labcorp
Classification: Uncertain significance. Last evaluated: 2022-06-15. Review status: criteria provided, single submitter. Criteria: Invitae Variant Classification Sherloc (09022015). Collection method: clinical testing. Allele origin: germline.
Comment: In summary, the available evidence is currently insufficient to determine the role of this variant in disease. Therefore, it has been classified as a Variant of Uncertain Significance. Algorithms developed to predict the effect of missense changes on protein structure and function (SIFT, PolyPhen-2, Align-GVGD) all suggest that this variant is likely to be tolerated. This variant has not been reported in the literature in individuals affected with KIAA1549-related conditions. This variant is present in population databases (rs535108551, gnomAD 0.003%). This sequence change replaces valine, which is neutral and non-polar, with leucine, which is neutral and non-polar, at codon 1301 of the KIAA1549 protein (p.Val1301Leu).

NM_001164665.2(KIAA1549):c.3901G>C (p.Val1301Leu)

Gene: KIAA1549 (KIAA1549; minus strand). Cytogenetic location: 7q34.
Variant type: single nucleotide variant.
Coding change: c.3901G>C on transcript NM_001164665.2 (MANE Select); coding-DNA position 3901, G replaced by C.
Protein change: p.Val1301Leu; replaces valine 1301 with leucine.
Molecular consequence: missense variant.
Genome position (GRCh38, 1-based): chr7:138,894,473, C>G on the plus strand (G>C on the coding strand, the complement: KIAA1549 is on the minus strand). VCF-style: chr7-138894473-C-G. GRCh37 (hg19) VCF-style: chr7-138579219-C-G.
Other names: c.3901G>C, p.Val1301Leu (NM_020910.3); short protein forms V1301L.
Identifiers: ClinVar variation 2070188 (VCV002070188.2), dbSNP rs535108551, ClinGen allele CA4506070.
Genomic context (GRCh38, chr7:138,894,473, plus strand): 5'-AGTAGAGGATGACAACAATCACCATCACCACCAGCACTGGGATGACCACGCCAACAATGA[C>G]CCACAAGTTGTTGCTCTGGGATTCCGGAGACGGCCTCTTCACCCTGTCGACAGCTGCAGA-3'
Protein context (NP_001158137.1, residues 1291-1311): SPESQSNNLW[Val1301Leu]IVGVVIPVLV